The following is an entry in ClinVar:

ClinVar aggregate classification (germline): Benign. Review status: criteria provided, multiple submitters, no conflicts (2 of 4 stars). 10 submissions from 9 submitters: Benign (10). Last evaluated 2026-01-26.

Conditions:
Developmental and epileptic encephalopathy, 1 (DEE1). Also called: X-linked infantile spasms; West's syndrome; Tonic spasms with clustering, arrest of psychomotor development and hypsarrhythmia on EEG; X-Linked Infantile Spasm Syndrome; OHTAHARA SYNDROME, X-LINKED; INFANTILE SPASM SYNDROME, X-LINKED 1. Identifiers: MedGen C3463992, MONDO:0010632, OMIM 308350. Disease mechanism: loss of function.
Autosomal recessive spinocerebellar ataxia 12. Also called: SPINOCEREBELLAR ATAXIA WITH MENTAL RETARDATION AND EPILEPSY. Identifiers: Orphanet 284282, MedGen C3280452, MONDO:0013687, OMIM 614322.
Developmental and epileptic encephalopathy, 28 (DEE28). Also called: Epileptic encephalopathy, early infantile, 28. Identifiers: Orphanet 442835, MedGen C4015519, MONDO:0014533, OMIM 616211.

Allele frequency attached by ClinVar (database versions not stated): 1000 Genomes Project 0.21565; 1000 Genomes Project 30x 0.21611; TOPMed 0.26784; ESP Exome Variant Server 0.27637; gnomAD 0.27788 and 0.27934; gnomAD exomes 0.29970 and 0.32440; ExAC 0.37198.
gnomAD v4.1: 492,314 of 1,541,828 alleles (32%); highest among the groups gnomAD compares: Non-Finnish European, 34%; 80,658 homozygotes.

Submissions (10):

Labcorp Genetics (formerly Invitae), Labcorp
Classification: Benign for Developmental and epileptic encephalopathy, 1; Autosomal recessive spinocerebellar ataxia 12. Last evaluated: 2026-01-26. Review status: criteria provided, single submitter. Criteria: Invitae Variant Classification Sherloc (09022015). Collection method: clinical testing. Allele origin: germline.

Blueprint Genetics
Classification: Benign. Last evaluated: 2024-11-27. Review status: criteria provided, single submitter. Criteria: ACMG Guidelines, 2015. Collection method: clinical testing. Allele origin: germline.

Unidad de Genómica Garrahan, Hospital de Pediatría Garrahan
Classification: Benign. Last evaluated: 2024-07-15. Review status: criteria provided, single submitter. Criteria: ACMG Guidelines, 2015. Collection method: clinical testing. Allele origin: germline. Affected: no. Observed: 43 variant alleles.
Comment: This variant is classified as Benign based on local population frequency. This variant was detected in 46% of patients studied in a panel designed for Epileptic and Developmental Encephalopathy and Progressive Myoclonus Epilepsy. Number of patients: 43. Only high quality variants are reported.

Genome-Nilou Lab
Classification: Benign for Developmental and epileptic encephalopathy, 28. Last evaluated: 2021-12-05. Review status: criteria provided, single submitter. Criteria: ACMG Guidelines, 2015. Collection method: clinical testing. Allele origin: germline. Affected: no.

Genome-Nilou Lab
Classification: Benign for Autosomal recessive spinocerebellar ataxia 12. Last evaluated: 2021-12-05. Review status: criteria provided, single submitter. Criteria: ACMG Guidelines, 2015. Collection method: clinical testing. Allele origin: germline. Affected: no.

Mayo Clinic Laboratories, Mayo Clinic
Classification: Benign. Last evaluated: 2018-12-05. Review status: criteria provided, single submitter. Criteria: ACMG Guidelines, 2015. Collection method: clinical testing. Allele origin: germline. Observed: 266 variant alleles.

Athena Diagnostics
Classification: Benign. Last evaluated: 2017-04-20. Review status: criteria provided, single submitter. Criteria: Athena Diagnostics Criteria. Collection method: clinical testing. Allele origin: germline.

GeneDx
Classification: Benign. Last evaluated: 2016-01-06. Review status: criteria provided, single submitter. Criteria: GeneDx Variant Classification (06012015). Collection method: clinical testing. Allele origin: germline. Affected: yes.
Comment: This variant is considered likely benign or benign based on one or more of the following criteria: it is a conservative change, it occurs at a poorly conserved position in the protein, it is predicted to be benign by multiple in silico algorithms, and/or has population frequency not consistent with disease.

Breakthrough Genomics
Classification: Benign. Review status: criteria provided, single submitter. Criteria: ACMG Guidelines, 2015. Collection method: not provided. Allele origin: germline. Inheritance: Autosomal recessive inheritance. Affected: yes.

PreventionGenetics, part of Exact Sciences
Classification: Benign. Review status: criteria provided, single submitter. Criteria: ACMG Guidelines, 2015. Collection method: clinical testing. Allele origin: germline.

NM_016373.4(WWOX):c.-5C>T

Gene: WWOX (WW domain containing oxidoreductase; plus strand). Cytogenetic location: 16q23.1.
Variant type: single nucleotide variant.
Coding change: c.-5C>T on transcript NM_016373.4 (MANE Select); 5 bases upstream of the start codon, C replaced by T.
Molecular consequence: 5 prime UTR variant. On other transcripts: non-coding transcript variant (2).
Genome position (GRCh38, 1-based): chr16:78,099,774, C>T. VCF-style: chr16-78099774-C-T. GRCh37 (hg19) VCF-style: chr16-78133671-C-T.
Other names: c.-279C>T (NM_001291997.2); c.-5C>T (NM_130791.5).
Identifiers: ClinVar variation 260735 (VCV000260735.16), dbSNP rs11545028, ClinGen allele CA8182971.